The following is an entry in ClinVar:

NM_032578.4(MYPN):c.3160G>A (p.Gly1054Arg)

Gene: MYPN (myopalladin; plus strand). Cytogenetic location: 10q21.3.
Variant type: single nucleotide variant.
Coding change: c.3160G>A on transcript NM_032578.4 (MANE Select); coding-DNA position 3160, G replaced by A.
Protein change: p.Gly1054Arg; replaces glycine 1054 with arginine.
Molecular consequence: missense variant. On other transcripts: non-coding transcript variant (2).
Genome position (GRCh38, 1-based): chr10:68,197,353, G>A. VCF-style: chr10-68197353-G-A. GRCh37 (hg19) VCF-style: chr10-69957110-G-A.
Other names: c.3160G>A, p.Gly1054Arg (NM_001256267.2); c.2278G>A, p.Gly760Arg (NM_001256268.2); short protein forms G1054R, G760R.
Identifiers: ClinVar variation 567095 (VCV000567095.7), dbSNP rs900098416, ClinGen allele CA208224287.
Genomic context (GRCh38, chr10:68,197,353, plus strand): 5'-TATCATAAGTTTGTAAATTTATTTCTATGTTTAATATCTGAACATGCTTGTTGTTATAGG[G>A]GAAGATCCCGAGTGCAAGAAAGAGACAAAGAGCCCCTACAGGAACGCTTTTTCCGACCAC-3'
Protein context (NP_115967.2, residues 1044-1064): RLTSAGQSHR[Gly1054Arg]RSRVQERDKE

ClinVar aggregate classification (germline): Uncertain significance. Review status: criteria provided, multiple submitters, no conflicts (2 of 4 stars). 3 submissions from 3 submitters: Uncertain significance (3). Last evaluated 2024-08-21.

Conditions:
MYPN-related myopathy (CMYO24). Also called: Nemaline myopathy 11, autosomal recessive. Identifiers: MedGen C4479186, MONDO:0015023, OMIM 617336.
Dilated cardiomyopathy 1KK (CMD1KK). Identifiers: Orphanet 154, Orphanet 75249, MedGen C3714995, MONDO:0014100, OMIM 615248.

Allele frequency attached by ClinVar (database versions not stated): gnomAD exomes below 0.00001 and 0.00002; gnomAD 0.00001; TOPMed 0.00001.
gnomAD v4.1: 32 of 1,613,096 alleles (0.002%); highest among the groups gnomAD compares: Non-Finnish European, 0.0026%; no homozygotes.

Submissions (3):

Blueprint Genetics
Classification: Uncertain significance. Last evaluated: 2024-08-21. Review status: criteria provided, single submitter. Criteria: ACMG Guidelines, 2015. Collection method: clinical testing. Allele origin: germline.

Labcorp Genetics (formerly Invitae), Labcorp
Classification: Uncertain significance for Dilated cardiomyopathy 1KK. Last evaluated: 2021-12-15. Review status: criteria provided, single submitter. Criteria: Invitae Variant Classification Sherloc (09022015). Collection method: clinical testing. Allele origin: germline.
Comment: This sequence change replaces glycine, which is neutral and non-polar, with arginine, which is basic and polar, at codon 1054 of the MYPN protein (p.Gly1054Arg). This variant is present in population databases (no rsID available, gnomAD 0.0009%). This variant has not been reported in the literature in individuals affected with MYPN-related conditions. ClinVar contains an entry for this variant (Variation ID: 567095). Algorithms developed to predict the effect of missense changes on protein structure and function (SIFT, PolyPhen-2, Align-GVGD) all suggest that this variant is likely to be tolerated. In summary, the available evidence is currently insufficient to determine the role of this variant in disease. Therefore, it has been classified as a Variant of Uncertain Significance.

Fulgent Genetics
Classification: Uncertain significance for Dilated cardiomyopathy 1KK; MYPN-related myopathy. Last evaluated: 2021-10-18. Review status: criteria provided, single submitter. Criteria: ACMG Guidelines, 2015. Collection method: clinical testing. Allele origin: unknown.